The following is an entry in ClinVar:

ClinVar aggregate classification (germline): Uncertain significance. Review status: criteria provided, multiple submitters, no conflicts (2 of 4 stars). 2 submissions from 2 submitters: Uncertain significance (2). Last evaluated 2025-08-29.

Allele frequency attached by ClinVar (database versions not stated): gnomAD exomes 0.00001 and 0.00002; ExAC 0.00002; TOPMed 0.00002; gnomAD 0.00003; 1000 Genomes Project 30x 0.00016.
gnomAD v4.1: 37 of 1,614,044 alleles (0.0023%); highest among the groups gnomAD compares: African/African-American, 0.0027%; no homozygotes.

Submissions (2):

Labcorp Genetics (formerly Invitae), Labcorp
Classification: Uncertain significance. Last evaluated: 2025-08-29. Review status: criteria provided, single submitter. Criteria: Invitae Variant Classification Sherloc (09022015). Collection method: clinical testing. Allele origin: germline.
Comment: This sequence change replaces asparagine, which is neutral and polar, with serine, which is neutral and polar, at codon 572 of the CLCN6 protein (p.Asn572Ser). This variant is present in population databases (rs772610040, gnomAD 0.005%). This variant has not been reported in the literature in individuals affected with CLCN6-related conditions. ClinVar contains an entry for this variant (Variation ID: 1492349). An algorithm developed to predict the effect of missense changes on protein structure and function outputs the following: PolyPhen-2: "Probably Damaging". The serine amino acid residue is found in multiple mammalian species, which suggests that this missense change does not adversely affect protein function. In summary, the available evidence is currently insufficient to determine the role of this variant in disease. Therefore, it has been classified as a Variant of Uncertain Significance.

Ambry Genetics
Classification: Uncertain significance. Last evaluated: 2025-02-23. Review status: criteria provided, single submitter. Criteria: Ambry Variant Classification Scheme 2023. Collection method: clinical testing. Allele origin: germline.

NM_001286.5(CLCN6):c.1715A>G (p.Asn572Ser)

Gene: CLCN6 (chloride voltage-gated channel 6; plus strand). Cytogenetic location: 1p36.22.
Variant type: single nucleotide variant.
Coding change: c.1715A>G on transcript NM_001286.5 (MANE Select); coding-DNA position 1715, A replaced by G.
Protein change: p.Asn572Ser; replaces asparagine 572 with serine.
Molecular consequence: missense variant. On other transcripts: non-coding transcript variant (1).
Genome position (GRCh38, 1-based): chr1:11,834,512, A>G. VCF-style: chr1-11834512-A-G. GRCh37 (hg19) VCF-style: chr1-11894569-A-G.
Other names: c.1715A>G (NM_001286.2); c.1649A>G, p.Asn550Ser (NM_001256959.2); short protein forms N572S, N550S.
Identifiers: ClinVar variation 1492349 (VCV001492349.7), dbSNP rs772610040, ClinGen allele CA596587.